The following is an entry in ClinVar:

ClinVar aggregate classification (germline): Uncertain significance (1 of 4 stars; one submission).

gnomAD v4.1: 1 of 1,614,092 alleles (0.000062%); no homozygotes.

Submission:

Labcorp Genetics (formerly Invitae), Labcorp
Classification: Uncertain significance. Last evaluated: 2024-07-31. Review status: criteria provided, single submitter. Criteria: Invitae Variant Classification Sherloc (09022015). Collection method: clinical testing. Allele origin: germline.
Comment: This sequence change replaces alanine, which is neutral and non-polar, with threonine, which is neutral and polar, at codon 582 of the TNFAIP3 protein (p.Ala582Thr). This variant is not present in population databases (gnomAD no frequency). This variant has not been reported in the literature in individuals affected with TNFAIP3-related conditions. Advanced modeling of protein sequence and biophysical properties (such as structural, functional, and spatial information, amino acid conservation, physicochemical variation, residue mobility, and thermodynamic stability) performed at Invitae indicates that this missense variant is not expected to disrupt TNFAIP3 protein function with a negative predictive value of 80%. In summary, the available evidence is currently insufficient to determine the role of this variant in disease. Therefore, it has been classified as a Variant of Uncertain Significance.

NM_001270508.2(TNFAIP3):c.1744G>A (p.Ala582Thr)

Gene: TNFAIP3 (TNF alpha induced protein 3; plus strand). Cytogenetic location: 6q23.3.
Variant type: single nucleotide variant.
Coding change: c.1744G>A on transcript NM_001270508.2 (MANE Select); coding-DNA position 1744, G replaced by A.
Protein change: p.Ala582Thr; replaces alanine 582 with threonine.
Molecular consequence: missense variant.
Genome position (GRCh38, 1-based): chr6:137,879,189, G>A. VCF-style: chr6-137879189-G-A. GRCh37 (hg19) VCF-style: chr6-138200326-G-A.
Other names: c.1744G>A, p.Ala582Thr (NM_006290.4, NM_001270507.2); short protein forms A582T.
Identifiers: ClinVar variation 3710945 (VCV003710945.2).
Genomic context (GRCh38, chr6:137,879,189, plus strand): 5'-CGTTCCAAGTCAGATCCCTCGCGGCTCGTCCGGAGCCCCTCCCCGCATTCTTGCCACAGA[G>A]CTGGAAACGACGCCCCTGCTGGCTGCCTGTCTCAAGCTGCACGGACTCCTGGGGACAGGA-3'
Protein context (NP_001257437.1, residues 572-592): RSPSPHSCHR[Ala582Thr]GNDAPAGCLS